The following is an entry in ClinVar:

ClinVar aggregate classification (germline): Uncertain significance (1 of 4 stars; one submission).

Submission:

Labcorp Genetics (formerly Invitae), Labcorp
Classification: Uncertain significance. Last evaluated: 2021-12-13. Review status: criteria provided, single submitter. Criteria: Invitae Variant Classification Sherloc (09022015). Collection method: clinical testing. Allele origin: germline.
Comment: This sequence change replaces glycine, which is neutral and non-polar, with valine, which is neutral and non-polar, at codon 648 of the COL4A2 protein (p.Gly648Val). This variant is not present in population databases (gnomAD no frequency). This variant has not been reported in the literature in individuals affected with COL4A2-related conditions. Algorithms developed to predict the effect of missense changes on protein structure and function are either unavailable or do not agree on the potential impact of this missense change (SIFT: "Not Available"; PolyPhen-2: "Benign"; Align-GVGD: "Not Available"). In summary, the available evidence is currently insufficient to determine the role of this variant in disease. Therefore, it has been classified as a Variant of Uncertain Significance.

NM_001846.4(COL4A2):c.1943G>T (p.Gly648Val)

Gene: COL4A2 (collagen type IV alpha 2 chain; plus strand). Cytogenetic location: 13q34.
Variant type: single nucleotide variant.
Coding change: c.1943G>T on transcript NM_001846.4 (MANE Select); coding-DNA position 1943, G replaced by T.
Protein change: p.Gly648Val; replaces glycine 648 with valine.
Molecular consequence: missense variant.
Genome position (GRCh38, 1-based): chr13:110,465,571, G>T. VCF-style: chr13-110465571-G-T. GRCh37 (hg19) VCF-style: chr13-111117918-G-T.
Other names: short protein forms G648V.
Identifiers: ClinVar variation 1476474 (VCV001476474.6), dbSNP rs2139503646, ClinGen allele CA388739531.